The following is an entry in ClinVar:

ClinVar aggregate classification (germline): Likely pathogenic (1 of 4 stars; one submission).

Conditions:
Microcephaly with or without chorioretinopathy, lymphedema, or impaired intellectual development. Also called: MICROCEPHALY AND CHORIORETINOPATHY WITH OR WITHOUT MENTAL RETARDATION, AUTOSOMAL DOMINANT; MICROCEPHALY, LYMPHEDEMA, CHORIORETINAL DYSPLASIA SYNDROME; Microcephaly lymphedema chorioretinal dysplasia; Microcephaly with or without chorioretinopathy, lymphedema, or mental retardation; Microcephaly with or without chorioretinopathy, lymphedema, or intellectual disability. Identifiers: Orphanet 2526, MedGen C1835265, MONDO:0007918, OMIM 152950.

Submission:

Broad Center for Mendelian Genomics, Broad Institute of MIT and Harvard
Classification: Likely pathogenic for Microcephaly with or without chorioretinopathy, lymphedema, or impaired intellectual development. Last evaluated: 2023-01-25. Review status: criteria provided, single submitter. Criteria: ACMG Guidelines, 2015. Collection method: curation. Allele origin: germline. Inheritance: Autosomal dominant inheritance.
Comment: The p.Leu30Ter variant in KIF11 has not been previously reported in individuals with autosomal dominant microcephaly with or without chorioretinopathy, lymphedema, or intellectual disability. This variant was absent from large population studies. This nonsense variant leads to a premature termination codon at position 30, which is predicted to lead to a truncated or absent protein. Heterozygous loss of function of the KIF11 gene is an established disease mechanism in autosomal dominant microcephaly with or without chorioretinopathy, lymphedema, or intellectual disability. In summary, although additional studies are required to fully establish its clinical significance, this variant is likely pathogenic for autosomal dominant microcephaly with or without chorioretinopathy, lymphedema, or intellectual disability. ACMG/AMP Criteria applied: PVS1, PM2_Supporting (Richards 2015).

NM_004523.4(KIF11):c.89T>A (p.Leu30Ter)

Gene: KIF11 (kinesin family member 11; plus strand). Cytogenetic location: 10q23.33.
Variant type: single nucleotide variant.
Coding change: c.89T>A on transcript NM_004523.4 (MANE Select); coding-DNA position 89, T replaced by A.
Protein change: p.Leu30Ter; replaces leucine 30 with a stop codon.
Molecular consequence: nonsense.
Genome position (GRCh38, 1-based): chr10:92,606,276, T>A. VCF-style: chr10-92606276-T-A. GRCh37 (hg19) VCF-style: chr10-94366033-T-A.
Other names: NM_004523.4:c.89T>A; short protein forms L30*.
Identifiers: ClinVar variation 2412712 (VCV002412712.1), dbSNP rs2492475559, ClinGen allele CA377587695.